The following is an entry in ClinVar:

NM_000064.4(C3):c.4246G>A (p.Asp1416Asn)

Gene: C3 (complement C3; minus strand). Cytogenetic location: 19p13.3.
Variant type: single nucleotide variant.
Coding change: c.4246G>A on transcript NM_000064.4 (MANE Select); coding-DNA position 4246, G replaced by A.
Protein change: p.Asp1416Asn; replaces aspartic acid 1416 with asparagine.
Molecular consequence: missense variant.
Genome position (GRCh38, 1-based): chr19:6,682,156, C>T on the plus strand (G>A on the coding strand, the complement: C3 is on the minus strand). VCF-style: chr19-6682156-C-T. GRCh37 (hg19) VCF-style: chr19-6682167-C-T.
Other names: short protein forms D1416N.
Identifiers: ClinVar variation 1501561 (VCV001501561.8), dbSNP rs760821811, ClinGen allele CA9128473.

ClinVar aggregate classification (germline): Uncertain significance (1 of 4 stars; one submission).

Allele frequency attached by ClinVar (database versions not stated): gnomAD exomes below 0.00001 and 0.00002; ExAC 0.00002.
gnomAD v4.1: 7 of 1,613,740 alleles (0.00043%); highest among the groups gnomAD compares: South Asian, 0.0055%; no homozygotes.

Submission:

Labcorp Genetics (formerly Invitae), Labcorp
Classification: Uncertain significance. Last evaluated: 2021-05-26. Review status: criteria provided, single submitter. Criteria: Invitae Variant Classification Sherloc (09022015). Collection method: clinical testing. Allele origin: germline.
Comment: This variant is present in population databases (rs760821811, ExAC 0.02%). This sequence change replaces aspartic acid with asparagine at codon 1416 of the C3 protein (p.Asp1416Asn). The aspartic acid residue is moderately conserved and there is a small physicochemical difference between aspartic acid and asparagine. This variant has not been reported in the literature in individuals with C3-related conditions. Algorithms developed to predict the effect of missense changes on protein structure and function output the following: SIFT: "Tolerated"; PolyPhen-2: "Benign"; Align-GVGD: "Class C0". The asparagine amino acid residue is found in multiple mammalian species, suggesting that this missense change does not adversely affect protein function. These predictions have not been confirmed by published functional studies and their clinical significance is uncertain. In summary, the available evidence is currently insufficient to determine the role of this variant in disease. Therefore, it has been classified as a Variant of Uncertain Significance.